The following is an entry in ClinVar:

NM_198578.4(LRRK2):c.1385G>C (p.Gly462Ala)

Gene: LRRK2 (leucine rich repeat kinase 2; plus strand). Cytogenetic location: 12q12.
Variant type: single nucleotide variant.
Coding change: c.1385G>C on transcript NM_198578.4 (MANE Select); coding-DNA position 1385, G replaced by C.
Protein change: p.Gly462Ala; replaces glycine 462 with alanine.
Molecular consequence: missense variant.
Genome position (GRCh38, 1-based): chr12:40,257,344, G>C. VCF-style: chr12-40257344-G-C. GRCh37 (hg19) VCF-style: chr12-40651146-G-C.
Other names: short protein forms G462A.
Identifiers: ClinVar variation 1771380 (VCV001771380.2), dbSNP rs2499538188, ClinGen allele CA384410783.

ClinVar aggregate classification (germline): Uncertain significance (1 of 4 stars; one submission).

Conditions:
Inborn genetic diseases. Identifiers: MedGen C0950123, MeSH D030342.

Submission:

Ambry Genetics
Classification: Uncertain significance for Inborn genetic diseases. Last evaluated: 2024-01-27. Review status: criteria provided, single submitter. Criteria: Ambry Variant Classification Scheme 2023. Collection method: clinical testing. Allele origin: germline.
Comment: The p.G462A variant (also known as c.1385G>C), located in coding exon 12 of the LRRK2 gene, results from a G to C substitution at nucleotide position 1385. The glycine at codon 462 is replaced by alanine, an amino acid with similar properties. This amino acid position is conserved. In addition, this alteration is predicted to be tolerated by in silico analysis. Since supporting evidence is limited at this time, the clinical significance of this alteration remains unclear.